The following is an entry in ClinVar:

NM_024757.5(EHMT1):c.1262del (p.Ser421fs)

Gene: EHMT1 (euchromatic histone lysine methyltransferase 1; plus strand). Cytogenetic location: 9q34.3.
Variant type: Deletion.
Coding change: c.1262del on transcript NM_024757.5 (MANE Select); coding-DNA position 1262, one base deleted (G; older notation c.1262delG).
Protein change: p.Ser421fs; shifts the reading frame from serine 421.
Molecular consequence: frameshift variant.
Genome position (GRCh38, 1-based): chr9:137,754,184, G deleted. VCF-style (leftmost placement, unchanged base first): chr9-137754183-AG-A. GRCh37 (hg19) VCF-style: chr9-140648635-AG-A.
Other names: c.1262del, p.Ser421fs (NM_001145527.2, NM_001354611.2); c.1169del, p.Ser390fs (NM_001354259.2, NM_001354612.2); c.1241del, p.Ser414fs (NM_001354263.2); short protein forms S421fs, S390fs, S414fs.
Identifiers: ClinVar variation 817099 (VCV000817099.1), dbSNP rs1588533423, ClinGen allele CA915945838.
Genomic context (GRCh38, chr9:137,754,183, plus strand): 5'-AGCTTCCTGTGCTTAGTGGTTTATATGCCTGCCCGTTTGGTTCTCCAGAGTTCGGAATCC[AG>A]CATTAAGAAGAAATTTCTCAAGAGGAAAGGAAAGACCGACAGTCCCTGGATCAAGCCAGC-3'

ClinVar aggregate classification (germline): Pathogenic (1 of 4 stars; one submission).

Submission:

GeneDx
Classification: Pathogenic. Last evaluated: 2018-06-15. Review status: criteria provided, single submitter. Criteria: GeneDx Variant Classification (06012015). Collection method: clinical testing. Allele origin: germline. Affected: yes.
Comment: The c.1262delG variant in the EHMT1 gene has not been reported previously as a pathogenic variant nor as a benign variant, to our knowledge. The c.1262delG variant causes a frameshift starting with codon Serine 421, changes this amino acid to a Threonine residue, and creates a premature Stop codon at position 142 of the new reading frame, denoted p.Ser421ThrfsX142. This variant is predicted to cause loss of normal protein function either through protein truncation or nonsense-mediated mRNA decay. The c.1262delG variant is not observed in large population cohorts (Lek et al., 2016). We interpret c.1262delG as a pathogenic variant.